The following is an entry in ClinVar:

ClinVar aggregate classification (germline): Uncertain significance (1 of 4 stars; one submission).

Conditions:
Primary ciliary dyskinesia. Also called: Ciliary dyskinesia. Identifiers: Orphanet 244, MedGen C0008780, MONDO:0016575, HP:0012265.

gnomAD v4.1: 1 of 1,614,024 alleles (0.000062%); no homozygotes.

Submission:

Labcorp Genetics (formerly Invitae), Labcorp
Classification: Uncertain significance for Primary ciliary dyskinesia. Last evaluated: 2025-12-10. Review status: criteria provided, single submitter. Criteria: Invitae Variant Classification Sherloc (09022015). Collection method: clinical testing. Allele origin: germline.
Comment: This sequence change replaces histidine, which is basic and polar, with arginine, which is basic and polar, at codon 2256 of the DNAH5 protein (p.His2256Arg). This variant is not present in population databases (gnomAD no frequency). This variant has not been reported in the literature in individuals affected with DNAH5-related conditions. Invitae Evidence Modeling of protein sequence and biophysical properties (such as structural, functional, and spatial information, amino acid conservation, physicochemical variation, residue mobility, and thermodynamic stability) has been performed for this missense variant. However, the output from this modeling did not meet the statistical confidence thresholds required to predict the impact of this variant on DNAH5 protein function. In summary, the available evidence is currently insufficient to determine the role of this variant in disease. Therefore, it has been classified as a Variant of Uncertain Significance.

NM_001369.3(DNAH5):c.6767A>G (p.His2256Arg)

Gene: DNAH5 (dynein axonemal heavy chain 5; minus strand). Cytogenetic location: 5p15.2.
Variant type: single nucleotide variant.
Coding change: c.6767A>G on transcript NM_001369.3 (MANE Select); coding-DNA position 6767, A replaced by G.
Protein change: p.His2256Arg; replaces histidine 2256 with arginine.
Molecular consequence: missense variant.
Genome position (GRCh38, 1-based): chr5:13,820,420, T>C on the plus strand (A>G on the coding strand, the complement: DNAH5 is on the minus strand). VCF-style: chr5-13820420-T-C. GRCh37 (hg19) VCF-style: chr5-13820529-T-C.
Other names: short protein forms H2256R.
Identifiers: ClinVar variation 4709336 (VCV004709336.1).
Genomic context (GRCh38, chr5:13,820,420, plus strand): 5'-ATCAAGGTGTGGATGCAGGTGGTCTTCCCAGCCCCACTGGGCCCCAGAGTCATCATCCCA[T>C]GTCGCACTCTCTGCGTTTCGAATAGCTGGATGACCTTCAGTTTCCAAGGAGGATGGTTGA-3'
Protein context (NP_001360.1, residues 2246-2266): IQLFETQRVR[His2256Arg]GMMTLGPSGA